The following is an entry in ClinVar:

NM_022051.3(EGLN1):c.377C>A (p.Pro126Gln)

Gene: EGLN1 (egl-9 family hypoxia inducible factor 1; minus strand). Cytogenetic location: 1q42.2.
Variant type: single nucleotide variant.
Coding change: c.377C>A on transcript NM_022051.3 (MANE Select); coding-DNA position 377, C replaced by A.
Protein change: p.Pro126Gln; replaces proline 126 with glutamine.
Molecular consequence: missense variant.
Genome position (GRCh38, 1-based): chr1:231,421,512, G>T on the plus strand (C>A on the coding strand, the complement: EGLN1 is on the minus strand). VCF-style: chr1-231421512-G-T. GRCh37 (hg19) VCF-style: chr1-231557258-G-T.
Other names: c.377C>A, p.Pro126Gln (NM_001377260.1, NM_001377261.1); short protein forms P126Q.
Identifiers: ClinVar variation 1734831 (VCV001734831.3), dbSNP rs1656603895, ClinGen allele CA345237376.

ClinVar aggregate classification (germline): Uncertain significance (1 of 4 stars; one submission).

gnomAD v4.1: 1 of 1,314,210 alleles (0.000076%); highest among the groups gnomAD compares: Non-Finnish European, 0.000097%; no homozygotes.

Submission:

Ambry Genetics
Classification: Uncertain significance. Last evaluated: 2025-08-20. Review status: criteria provided, single submitter. Criteria: Ambry Variant Classification Scheme 2023. Collection method: clinical testing. Allele origin: germline.
Comment: The p.P126Q variant (also known as c.377C>A), located in coding exon 1 of the EGLN1 gene, results from a C to A substitution at nucleotide position 377. The proline at codon 126 is replaced by glutamine, an amino acid with similar properties. This amino acid position is conserved. In addition, this alteration is predicted to be tolerated by in silico analysis. Since supporting evidence is limited at this time, the clinical significance of this alteration remains unclear.